The following is an entry in ClinVar:

NM_001024630.4(RUNX2):c.1235T>C (p.Met412Thr)

Gene: RUNX2 (RUNX family transcription factor 2; plus strand). Cytogenetic location: 6p21.1.
Variant type: single nucleotide variant.
Coding change: c.1235T>C on transcript NM_001024630.4 (MANE Select); coding-DNA position 1235, T replaced by C.
Protein change: p.Met412Thr; replaces methionine 412 with threonine.
Molecular consequence: missense variant.
Genome position (GRCh38, 1-based): chr6:45,546,974, T>C. VCF-style: chr6-45546974-T-C. GRCh37 (hg19) VCF-style: chr6-45514711-T-C.
Other names: c.1169T>C, p.Met390Thr (NM_001015051.4); c.1127T>C, p.Met376Thr (NM_001278478.2); c.1193T>C, p.Met398Thr (NM_001369405.1); short protein forms M376T, M390T, M398T, M412T.
Identifiers: ClinVar variation 3342021 (VCV003342021.16).

ClinVar aggregate classification (germline): Uncertain significance (1 of 4 stars; one submission).

Submission:

CeGaT Center for Human Genetics Tuebingen
Classification: Uncertain significance. Last evaluated: 2024-07-01. Review status: criteria provided, single submitter. Criteria: CeGaT Center For Human Genetics Tuebingen Variant Classification Criteria Version 2. Collection method: clinical testing. Allele origin: germline. Affected: yes. Observed: 1 variant allele.
Comment: RUNX2: PM2, PP3